The following is an entry in ClinVar:

ClinVar aggregate classification (germline): Likely benign (0 of 4 stars; one submission).

Conditions:
PTPRS-related disorder. Also called: PTPRS-related condition.

gnomAD v4.1: 700 of 1,566,142 alleles (0.045%); highest among the groups gnomAD compares: Non-Finnish European, 0.056%; no homozygotes.

Submission:

PreventionGenetics, part of Exact Sciences
Classification: Likely benign for PTPRS-related condition. Last evaluated: 2019-07-12. Review status: no assertion criteria provided. Collection method: clinical testing. Allele origin: germline.
Comment: This variant is classified as likely benign based on ACMG/AMP sequence variant interpretation guidelines (Richards et al. 2015 PMID: 25741868, with internal and published modifications).

NM_002850.4(PTPRS):c.3103+8C>T

Gene: PTPRS (protein tyrosine phosphatase receptor type S; minus strand). Cytogenetic location: 19p13.3.
Variant type: single nucleotide variant.
Coding change: c.3103+8C>T on transcript NM_002850.4 (MANE Select); 8 bases into the intron after coding-DNA position 3103, C replaced by T.
Molecular consequence: intron variant.
Genome position (GRCh38, 1-based): chr19:5,222,681, G>A on the plus strand (C>T on the coding strand, the complement: PTPRS is on the minus strand). VCF-style: chr19-5222681-G-A. GRCh37 (hg19) VCF-style: chr19-5222692-G-A.
Other names: c.1811-461C>T (NM_130853.3); c.3037+8C>T (NM_001394013.1, NM_130854.3, NM_001394011.1); c.3064+8C>T (NM_001394012.1); c.1823-461C>T (NM_130855.3).
Identifiers: ClinVar variation 3049920 (VCV003049920.2), dbSNP rs768272217, ClinGen allele CA9109716.